The following is an entry in ClinVar:

ClinVar aggregate classification (germline): Pathogenic. Review status: criteria provided, multiple submitters, no conflicts (2 of 4 stars). 2 submissions from 2 submitters: Pathogenic (2). Last evaluated 2018-07-17.

Conditions:
Hereditary breast ovarian cancer syndrome. Also called: Hereditary breast and ovarian cancer syndrome (HBOC); Breast and ovarian cancer; BRCA1- and BRCA2-Associated Hereditary Breast and Ovarian Cancer; Hereditary breast and/or ovarian cancer syndrome; Hereditary breast and ovarian cancer; Hereditary breast and ovarian cancer syndrome. Identifiers: Orphanet 145, MedGen C0677776, MeSH D061325, MONDO:0003582. Disease mechanism: loss of function.

Submissions (2):

Labcorp Genetics (formerly Invitae), Labcorp
Classification: Pathogenic for Hereditary breast ovarian cancer syndrome. Last evaluated: 2018-07-17. Review status: criteria provided, single submitter. Criteria: Invitae Variant Classification Sherloc (09022015). Collection method: clinical testing. Allele origin: germline.
Comment: For these reasons, this variant has been classified as Pathogenic. Loss-of-function variants in BRCA1 are known to be pathogenic (PMID: 20104584). This variant has not been reported in the literature in individuals with BRCA1-related disease. ClinVar contains an entry for this variant (Variation ID: 431356). This variant is not present in population databases (ExAC no frequency). This sequence change creates a premature translational stop signal (p.Ala1608Glyfs*14) in the BRCA1 gene. It is expected to result in an absent or disrupted protein product.

Department of Pathology and Molecular Medicine, Queen's University
Classification: Pathogenic for Hereditary breast ovarian cancer syndrome. Last evaluated: 2017-04-20. Review status: criteria provided, single submitter. Criteria: ACMG Guidelines, 2015. Collection method: clinical testing. Allele origin: germline. Study: The Canadian Open Genetics Repository (COGR).

Literature cited by the submitters: PubMed 20104584 (cited by Labcorp Genetics (formerly Invitae), Labcorp).

NM_007294.4(BRCA1):c.4822dup (p.Ala1608fs)

Gene: BRCA1 (BRCA1 DNA repair associated; minus strand). Cytogenetic location: 17q21.31.
Variant type: Duplication.
Coding change: c.4822dup on transcript NM_007294.4 (MANE Select); coding-DNA position 4822, one base duplicated (G; older notation c.4822dupG).
Protein change: p.Ala1608fs; shifts the reading frame from alanine 1608.
Molecular consequence: frameshift variant. On other transcripts: non-coding transcript variant (1).
Genome position (GRCh38, 1-based): chr17:43,071,092, C duplicated on the plus strand (G on the coding strand, the reverse complement: BRCA1 is on the minus strand). VCF-style (leftmost placement, unchanged base first): chr17-43071091-G-GC. GRCh37 (hg19) VCF-style: chr17-41223108-G-GC.
Other names: NM_007300.3:c.4885dupG; c.4822dupG (NM_007294.3); c.4552dup, p.Ala1518Glyfs (NM_001407935.1, NM_001407936.1, NM_001407934.1); c.4699dup, p.Ala1567Glyfs (NM_001407937.1, NM_001407938.1, NM_001407664.1 and 6 more transcripts); c.4696dup, p.Ala1566Glyfs (NM_001407939.1, NM_001407940.1, NM_001407670.1 and 11 more transcripts); c.4693dup, p.Ala1565Glyfs (NM_001407941.1, NM_001407681.1, NM_001407682.1 and 6 more transcripts); c.4681dup, p.Ala1561Glyfs (NM_001407942.1, NM_001407692.1, NM_001407694.1 and 12 more transcripts); c.4678dup, p.Ala1560Glyfs (NM_001407943.1, NM_001407944.1, NM_001407945.1 and 21 more transcripts); and 75 more; short protein forms A1629fs, A504fs, A1561fs, A1608fs.
Identifiers: ClinVar variation 431356 (VCV000431356.9), dbSNP rs1135401933, ClinGen allele CA645373143.